The following is an entry in ClinVar:

NM_001999.4(FBN2):c.6880+6G>C

Gene: FBN2 (fibrillin 2; minus strand). Cytogenetic location: 5q23.3.
Variant type: single nucleotide variant.
Coding change: c.6880+6G>C on transcript NM_001999.4 (MANE Select); 6 bases into the intron after coding-DNA position 6880, G replaced by C.
Molecular consequence: intron variant.
Genome position (GRCh38, 1-based): chr5:128,287,302, C>G on the plus strand (G>C on the coding strand, the complement: FBN2 is on the minus strand). VCF-style: chr5-128287302-C-G. GRCh37 (hg19) VCF-style: chr5-127622994-C-G.
Identifiers: ClinVar variation 656390 (VCV000656390.7), dbSNP rs1271195305, ClinGen allele CA915942541.
Genomic context (GRCh38, chr5:128,287,302, plus strand): 5'-AATCATTAAGATGTATCTCCAGCATGACAAATAAAGTTCGAACTACTCCCGAGTCTGAGG[C>G]CTTACCTTTGCACATCTTTTGATCTTCCCTGAGGGCATAGCCAATCGGGCACGTGCATTC-3'

ClinVar aggregate classification (germline): Uncertain significance (1 of 4 stars; one submission).

Conditions:
Congenital contractural arachnodactyly (CCA). Also called: Beals-Hecht syndrome; BEALS SYNDROME; Arthrogryposis, distal, type 9. Identifiers: Orphanet 115, MedGen C0220668, MONDO:0007363, OMIM 121050.

Submission:

Labcorp Genetics (formerly Invitae), Labcorp
Classification: Uncertain significance for Congenital contractural arachnodactyly. Last evaluated: 2018-11-07. Review status: criteria provided, single submitter. Criteria: Invitae Variant Classification Sherloc (09022015). Collection method: clinical testing. Allele origin: germline.
Comment: This sequence change falls in intron 54 of the FBN2 gene. It does not directly change the encoded amino acid sequence of the FBN2 protein, but it affects a nucleotide within the consensus splice site of the intron. This variant is not present in population databases (ExAC no frequency). This variant has not been reported in the literature in individuals with FBN2-related disease. Nucleotide substitutions within the consensus splice site are a relatively common cause of aberrant splicing (PMID: 17576681, 9536098). Algorithms developed to predict the effect of sequence changes on RNA splicing suggest that this variant is not likely to affect RNA splicing, but this prediction has not been confirmed by published transcriptional studies. In summary, the available evidence is currently insufficient to determine the role of this variant in disease. Therefore, it has been classified as a Variant of Uncertain Significance.

Literature cited by the submitters: PubMed 17576681; PubMed 9536098.